The following is an entry in ClinVar:

NM_001999.4(FBN2):c.2984G>A (p.Cys995Tyr)

Gene: FBN2 (fibrillin 2; minus strand). Cytogenetic location: 5q23.3.
Variant type: single nucleotide variant.
Coding change: c.2984G>A on transcript NM_001999.4 (MANE Select); coding-DNA position 2984, G replaced by A.
Protein change: p.Cys995Tyr; replaces cysteine 995 with tyrosine.
Molecular consequence: missense variant.
Genome position (GRCh38, 1-based): chr5:128,349,352, C>T on the plus strand (G>A on the coding strand, the complement: FBN2 is on the minus strand). VCF-style: chr5-128349352-C-T. GRCh37 (hg19) VCF-style: chr5-127685044-C-T.
Other names: short protein forms C995Y.
Identifiers: ClinVar variation 5009788 (VCV005009788.1).

ClinVar aggregate classification (germline): Uncertain significance (1 of 4 stars; one submission).

Submission:

GeneDx
Classification: Uncertain significance. Last evaluated: 2026-02-19. Review status: criteria provided, single submitter. Criteria: GeneDx Variant Classification Process June 2021. Collection method: clinical testing. Allele origin: germline.
Comment: Not observed at significant frequency in large population cohorts (gnomAD); In silico analysis supports that this missense variant has a deleterious effect on protein structure/function; Has not been previously published as pathogenic or benign to our knowledge; Missense substitution of a cysteine residue within a calcium-binding-EGF-like domain, which may affect disulfide bonding and alter the structure and function of the protein (PMID: 19006240, 18767143); This variant is associated with the following publications: (PMID: 19006240, 18767143)